The following is an entry in ClinVar:

NM_007217.4(PDCD10):c.153del (p.Glu52fs)

Gene: PDCD10 (programmed cell death 10; minus strand). Cytogenetic location: 3q26.1.
Variant type: Deletion.
Coding change: c.153del on transcript NM_007217.4 (MANE Select); coding-DNA position 153, one base deleted (T; older notation c.153delT).
Protein change: p.Glu52fs; shifts the reading frame from glutamic acid 52.
Molecular consequence: frameshift variant.
Genome position (GRCh38, 1-based): chr3:167,697,124, A deleted on the plus strand (T on the coding strand, the reverse complement: PDCD10 is on the minus strand). VCF-style (leftmost placement, unchanged base first): chr3-167697123-CA-C. GRCh37 (hg19) VCF-style: chr3-167414911-CA-C.
Other names: c.153del, p.Glu52fs (NM_001439202.1, NM_001439204.1, NM_001439205.1 and 2 more transcripts); short protein forms E52fs.
Identifiers: ClinVar variation 4714373 (VCV004714373.1).
Genomic context (GRCh38, chr3:167,697,123, plus strand): 5'-CGCTTTTTTTCTCTAAAATTTTCATAATGATGTCTTGTGTGAGACCTGGATTTTCTTTTT[CA>C]GCCTATAATAAAGAGAAAACTAGTTTTGAAATACAGATAAGGAATCAACATTTTAAAGCC-3'

ClinVar aggregate classification (germline): Pathogenic (1 of 4 stars; one submission).

Conditions:
Cerebral cavernous malformation 3. Also called: Familial Cerebral Cavernous Malformation 3. Identifiers: Orphanet 221061, MedGen C1864040, MONDO:0011305, OMIM 603285.

Submission:

Labcorp Genetics (formerly Invitae), Labcorp
Classification: Pathogenic for Cerebral cavernous malformation 3. Last evaluated: 2025-06-05. Review status: criteria provided, single submitter. Criteria: Invitae Variant Classification Sherloc (09022015). Collection method: clinical testing. Allele origin: germline.
Comment: This sequence change creates a premature translational stop signal (p.Glu52Lysfs*13) in the PDCD10 gene. It is expected to result in an absent or disrupted protein product. Loss-of-function variants in PDCD10 are known to be pathogenic (PMID: 15543491, 18300272, 23801932). This variant is not present in population databases (gnomAD no frequency). This variant has not been reported in the literature in individuals affected with PDCD10-related conditions. For these reasons, this variant has been classified as Pathogenic.

Literature cited by the submitters: PubMed 15543491; PubMed 18300272; PubMed 23801932.